The following is an entry in ClinVar:

NM_018489.3(ASH1L):c.1815T>C (p.Thr605=)

Gene: ASH1L (ASH1 like histone lysine methyltransferase; minus strand). Cytogenetic location: 1q22.
Variant type: single nucleotide variant.
Coding change: c.1815T>C on transcript NM_018489.3 (MANE Select); coding-DNA position 1815, T replaced by C.
Protein change: p.Thr605=; no amino-acid change (threonine 605 retained).
Molecular consequence: synonymous variant.
Genome position (GRCh38, 1-based): chr1:155,481,055, A>G on the plus strand (T>C on the coding strand, the complement: ASH1L is on the minus strand). VCF-style: chr1-155481055-A-G. GRCh37 (hg19) VCF-style: chr1-155450846-A-G.
Other names: c.1815T>C, p.Thr605= (NM_001366177.2).
Identifiers: ClinVar variation 3047709 (VCV003047709.2), dbSNP rs143215006, ClinGen allele CA30914839.
Genomic context (GRCh38, chr1:155,481,055, plus strand): 5'-TTCAATACTTATACTATGACCAACTGACCTATGACCAACGTTCAAGTGGGTACTTTCAGA[A>G]GTAAACTGGTTCTTTCCAACAGATTCAGAAATTTCTTCGATTAGTTCTGTAGTAGAACTT-3'
Protein context (NP_060959.2, residues 595-615): ISESVGKNQF[Thr605=]SESTHLNVGH

ClinVar aggregate classification (germline): Likely benign (0 of 4 stars; one submission).

Conditions:
ASH1L-related disorder. Also called: ASH1L-related condition.

Allele frequency attached by ClinVar (database versions not stated): TOPMed below 0.00001; ESP Exome Variant Server 0.00008.

Submission:

PreventionGenetics, part of Exact Sciences
Classification: Likely benign for ASH1L-related condition. Last evaluated: 2023-03-07. Review status: no assertion criteria provided. Collection method: clinical testing. Allele origin: germline.
Comment: This variant is classified as likely benign based on ACMG/AMP sequence variant interpretation guidelines (Richards et al. 2015 PMID: 25741868, with internal and published modifications).